The following is an entry in ClinVar:

NM_002474.3(MYH11):c.3635T>G (p.Leu1212Arg)

Gene: MYH11 (myosin heavy chain 11; minus strand). Cytogenetic location: 16p13.11.
Variant type: single nucleotide variant.
Coding change: c.3635T>G on transcript NM_002474.3 (MANE Select); coding-DNA position 3635, T replaced by G.
Protein change: p.Leu1212Arg; replaces leucine 1212 with arginine.
Molecular consequence: missense variant.
Genome position (GRCh38, 1-based): chr16:15,732,580, A>C on the plus strand (T>G on the coding strand, the complement: MYH11 is on the minus strand). VCF-style: chr16-15732580-A-C. GRCh37 (hg19) VCF-style: chr16-15826437-A-C.
Other names: c.3656T>G, p.Leu1219Arg (NM_001040113.2, NM_001040114.2); c.3635T>G, p.Leu1212Arg (NM_022844.3); short protein forms L1219R, L1212R.
Identifiers: ClinVar variation 1733444 (VCV001733444.5), dbSNP rs755690346, ClinGen allele CA7921945.

ClinVar aggregate classification (germline): Uncertain significance. Review status: criteria provided, multiple submitters, no conflicts (2 of 4 stars). 3 submissions from 3 submitters: Uncertain significance (3). Last evaluated 2025-06-17.

Conditions:
Familial thoracic aortic aneurysm and aortic dissection (TAAD). Also called: Thoracic aortic aneurysms and dissections. Identifiers: Orphanet 91387, MedGen C4707243, MONDO:0019625.

Allele frequency attached by ClinVar (database versions not stated): ExAC 0.00001; TOPMed 0.00002.
gnomAD v4.1: 7 of 1,614,140 alleles (0.00043%); highest among the groups gnomAD compares: African/African-American, 0.0093%; no homozygotes.

Submissions (3):

Color Diagnostics, LLC DBA Color Health
Classification: Uncertain significance for Familial thoracic aortic aneurysm and aortic dissection. Last evaluated: 2025-06-17. Review status: criteria provided, single submitter. Criteria: ACMG Guidelines, 2015. Collection method: clinical testing. Allele origin: germline.
Comment: This missense variant replaces leucine with arginine at codon 1219 of the MYH11 protein. Computational prediction suggests that this variant may have deleterious impact on protein structure and function. To our knowledge, functional studies have not been reported for this variant. This variant has not been reported in individuals affected with MYH11-related disorders in the literature. This variant has been identified in 2/251448 chromosomes in the general population by the Genome Aggregation Database (gnomAD). The available evidence is insufficient to determine the role of this variant in disease conclusively. Therefore, this variant is classified as a Variant of Uncertain Significance.

Ambry Genetics
Classification: Uncertain significance for Familial thoracic aortic aneurysm and aortic dissection. Last evaluated: 2025-03-04. Review status: criteria provided, single submitter. Criteria: Ambry Variant Classification Scheme 2023. Collection method: clinical testing. Allele origin: germline.
Comment: The p.L1212R variant (also known as c.3635T>G), located in coding exon 26 of the MYH11 gene, results from a T to G substitution at nucleotide position 3635. The leucine at codon 1212 is replaced by arginine, an amino acid with dissimilar properties. This amino acid position is conserved. In addition, this alteration is predicted to be deleterious by in silico analysis. Since supporting evidence is limited at this time, the clinical significance of this alteration remains unclear.

All of Us Research Program, National Institutes of Health
Classification: Uncertain significance for Familial thoracic aortic aneurysm and aortic dissection. Last evaluated: 2023-06-26. Review status: criteria provided, single submitter. Criteria: ACMG Guidelines, 2015. Collection method: clinical testing. Allele origin: germline. Inheritance: Autosomal dominant inheritance. Observed: 1 variant allele, 1 heterozygote.
Comment: This missense variant replaces leucine with arginine at codon 1219 of the MYH11 protein. Computational prediction suggests that this variant may have deleterious impact on protein structure and function (internally defined REVEL score threshold >= 0.7, PMID: 27666373). To our knowledge, functional studies have not been reported for this variant. This variant has not been reported in individuals affected with MYH11-related disorders in the literature. This variant has been identified in 2/251448 chromosomes in the general population by the Genome Aggregation Database (gnomAD). The available evidence is insufficient to determine the role of this variant in disease conclusively. Therefore, this variant is classified as a Variant of Uncertain Significance.

This study involves interpretation of variants in research participants for the purpose of population health screening. Participant phenotype was not available at the time of variant classification. Additional details can be found in publication PMID: 35346344, PMCID: PMC8962531